The following is an entry in ClinVar:

NM_000432.4(MYL2):c.241G>A (p.Val81Met)

Gene: MYL2 (myosin light chain 2; minus strand). Cytogenetic location: 12q24.11.
Variant type: single nucleotide variant.
Coding change: c.241G>A on transcript NM_000432.4 (MANE Select); coding-DNA position 241, G replaced by A.
Protein change: p.Val81Met; replaces valine 81 with methionine.
Molecular consequence: missense variant.
Genome position (GRCh38, 1-based): chr12:110,914,219, C>T on the plus strand (G>A on the coding strand, the complement: MYL2 is on the minus strand). VCF-style: chr12-110914219-C-T. GRCh37 (hg19) VCF-style: chr12-111352023-C-T.
Other names: short protein forms V81M.
Identifiers: ClinVar variation 1332579 (VCV001332579.3), dbSNP rs762872370, ClinGen allele CA040867.
Genomic context (GRCh38, chr12:110,914,219, plus strand): 5'-GACACACACACACACACACGACCTTACCCTTAAGTTTCTCCCCAAACATTGTGAGGAACA[C>T]AGTAAAGTTAATTGGACCCGGAGCCTCCTTGATCATTTCATCAATTTCTTCATTTTTCAC-3'
Protein context (NP_000423.2, residues 71-91): KEAPGPINFT[Val81Met]FLTMFGEKLK

ClinVar aggregate classification (germline): Uncertain significance (1 of 4 stars; one submission).

Conditions:
Cardiomyopathy (CMYO). Also called: Cardiomyopathies. Identifiers: Orphanet 167848, MedGen C0878544, MONDO:0004994, HP:0001638. Inheritance: Various modes of inheritance.

Allele frequency attached by ClinVar (database versions not stated): gnomAD exomes below 0.00001; ExAC 0.00002.
gnomAD v4.1: 5 of 1,614,014 alleles (0.00031%); highest among the groups gnomAD compares: South Asian, 0.0044%; no homozygotes.

Submission:

Color Diagnostics, LLC DBA Color Health
Classification: Uncertain significance for Cardiomyopathy. Last evaluated: 2024-03-07. Review status: criteria provided, single submitter. Criteria: ACMG Guidelines, 2015. Collection method: clinical testing. Allele origin: germline.
Comment: This missense variant replaces valine with methionine at codon 81 of the MYL2 protein. Computational prediction suggests that this variant may not impact protein structure and function (internally defined REVEL score threshold <= 0.5, PMID: 27666373). To our knowledge, functional studies have not been reported for this variant. This variant has not been reported in individuals affected with cardiovascular disorders in the literature. This variant has been identified in 1/251492 chromosomes in the general population by the Genome Aggregation Database (gnomAD). The available evidence is insufficient to determine the role of this variant in disease conclusively. Therefore, this variant is classified as a Variant of Uncertain Significance.